The following is an entry in ClinVar:

ClinVar aggregate classification (germline): Benign (1 of 4 stars; one submission).

Allele frequency attached by ClinVar (database versions not stated): 1000 Genomes Project 0.13399; 1000 Genomes Project 30x 0.13616; ExAC 0.17519; TOPMed 0.18306; gnomAD 0.18977; ESP Exome Variant Server 0.20598.

Submission:

Unidad de Genómica Garrahan, Hospital de Pediatría Garrahan
Classification: Benign. Last evaluated: 2024-01-24. Review status: criteria provided, single submitter. Criteria: ACMG Guidelines, 2015. Collection method: clinical testing. Allele origin: germline. Affected: no. Observed: 30 variant alleles.
Comment: This variant is classified as Benign based on local population frequency. This variant was detected in 32% of patients studied by a panel of primary immunodeficiencies. Number of patients: 30. Only high quality variants are reported.

NM_021035.3(ZNFX1):c.3777G>A (p.Met1259Ile)

Gene: ZNFX1 (zinc finger NFX1-type containing 1; minus strand). Cytogenetic location: 20q13.13.
Variant type: single nucleotide variant.
Coding change: c.3777G>A on transcript NM_021035.3 (MANE Select); coding-DNA position 3777, G replaced by A.
Protein change: p.Met1259Ile; replaces methionine 1259 with isoleucine.
Molecular consequence: missense variant.
Genome position (GRCh38, 1-based): chr20:49,249,247, C>T on the plus strand (G>A on the coding strand, the complement: ZNFX1 is on the minus strand). VCF-style: chr20-49249247-C-T. GRCh37 (hg19) VCF-style: chr20-47865784-C-T.
Other names: short protein forms M1259I.
Identifiers: ClinVar variation 2688233 (VCV002688233.2), dbSNP rs6512577, ClinGen allele CA9901983.